The following is an entry in ClinVar:

ClinVar aggregate classification (germline): Conflicting classifications of pathogenicity. Review status: criteria provided, conflicting classifications (1 of 4 stars). 2 submissions from 2 submitters: Likely pathogenic (1); Uncertain significance (1). Last evaluated 2026-10-16.

Conditions:
Charcot-Marie-Tooth disease axonal type 2S. Also called: CHARCOT-MARIE-TOOTH NEUROPATHY, TYPE 2S; CHARCOT-MARIE-TOOTH DISEASE, AXONAL, AUTOSOMAL RECESSIVE, TYPE 2S. Identifiers: Orphanet 443073, MedGen C4015349, MONDO:0014511, OMIM 616155.

Allele frequency attached by ClinVar (database versions not stated): gnomAD exomes 0.00010; gnomAD 0.00009; TOPMed 0.00010.
gnomAD v4.1: 104 of 985,276 alleles (0.011%); highest among the groups gnomAD compares: Non-Finnish European, 0.011%; no homozygotes.

Submissions (2):

GeneDx
Classification: Likely pathogenic. Last evaluated: 2026-10-16. Review status: criteria provided, single submitter. Criteria: GeneDx Variant Classification Process June 2021. Collection method: clinical testing. Allele origin: germline.
Comment: Functional studies demonstrate that c.1235+450 G>A disrupts normal splicing but has a leaky effect, which impacts a subset of transcripts (External communication with the National Institutes of Health); Not observed at significant frequency in large population cohorts (gnomAD); This variant is associated with the following publications: (PMID: 42388886, 39243181, SilversteinS_2024_Abstract)

Broad Center for Mendelian Genomics, Broad Institute of MIT and Harvard
Classification: Uncertain significance for Charcot-Marie-Tooth disease axonal type 2S. Last evaluated: 2026-08-26. Review status: criteria provided, single submitter. Criteria: ACMG Guidelines, 2015. Collection method: research. Allele origin: germline. Inheritance: Autosomal recessive inheritance. Study: GREGoR Consortium.
Comment: Trio genome sequencing revealed that this variant was in trans with a variant of uncertain significance (Variation ID: 917098). The c.1235+450G>A variant in IGHMBP2 has been previously reported in the literature in individuals with IGHMBP2-related neurological disease but has been identified in 0.01% (10/68046) of European (non-Finnish) chromosomes by the Genome Aggregation Database (gnomAD; dbSNP ID: rs968397154). Although this variant has been seen in the general population in a heterozygous state, its frequency is low enough to be consistent with a recessive carrier frequency. This variant has also been reported in ClinVar (Variation ID: 2430634) and has been interpreted as a variant of uncertain significance by GeneDx. Functional studies suggest that this variant may alter splicing in a subset of transcripts (ClinVar SCV003805434.1). In summary, the clinical significance of the c.1235+450G>A variant is uncertain. ACMG/AMP Criteria applied: PM2_Supporting, PS3_Supporting (Richards 2015).

NM_002180.3(IGHMBP2):c.1235+450G>A

Gene: IGHMBP2 (immunoglobulin mu DNA binding protein 2; plus strand). Cytogenetic location: 11q13.3.
Variant type: single nucleotide variant.
Coding change: c.1235+450G>A on transcript NM_002180.3 (MANE Select); 450 bases into the intron after coding-DNA position 1235, G replaced by A.
Molecular consequence: intron variant.
Genome position (GRCh38, 1-based): chr11:68,929,807, G>A. VCF-style: chr11-68929807-G-A. GRCh37 (hg19) VCF-style: chr11-68697275-G-A.
Identifiers: ClinVar variation 2430634 (VCV002430634.3), dbSNP rs968397154, ClinGen allele CA223406313.
Genomic context (GRCh38, chr11:68,929,807, plus strand): 5'-GACACATCCCTGGATGGAGGGCACTGGGCAGAGACTCAGCAAACCATGGTTCTGCCGTGC[G>A]GAGACACCGGAGCCCTGATGCAGTGGCCTGGCCCAGGCTGTCCTGGTGGAGACACTGGAG-3'